The following is an entry in ClinVar:

ClinVar aggregate classification (germline): Benign/Likely benign. Review status: criteria provided, multiple submitters, no conflicts (2 of 4 stars). 3 submissions from 3 submitters: Benign (2); Likely benign (1). Last evaluated 2024-11-01.

Allele frequency attached by ClinVar (database versions not stated): ESP Exome Variant Server 0.00162; gnomAD 0.00173 and 0.00183; TOPMed 0.00184; 1000 Genomes Project 30x 0.00187; 1000 Genomes Project 0.00200; gnomAD exomes 0.00201 and 0.00238; ExAC 0.00216.
gnomAD v4.1: 3,735 of 1,614,198 alleles (0.23%); highest among the groups gnomAD compares: Middle Eastern, 0.58%; 6 homozygotes.

Submissions (3):

CeGaT Center for Human Genetics Tuebingen
Classification: Likely benign. Last evaluated: 2024-11-01. Review status: criteria provided, single submitter. Criteria: CeGaT Center For Human Genetics Tuebingen Variant Classification Criteria Version 2. Collection method: clinical testing. Allele origin: germline. Affected: yes. Observed: 1 variant allele.
Comment: ANPEP: BP4, BS2

Labcorp Genetics (formerly Invitae), Labcorp
Classification: Benign. Last evaluated: 2019-12-31. Review status: criteria provided, single submitter. Criteria: Invitae Variant Classification Sherloc (09022015). Collection method: clinical testing. Allele origin: germline.

Breakthrough Genomics
Classification: Benign. Review status: criteria provided, single submitter. Criteria: ACMG Guidelines, 2015. Collection method: not provided. Allele origin: germline. Inheritance: Unknown mechanism. Affected: yes.

NM_001150.3(ANPEP):c.298C>T (p.Leu100=)

Gene: ANPEP (alanyl aminopeptidase, membrane; minus strand). Cytogenetic location: 15q26.1.
Variant type: single nucleotide variant.
Coding change: c.298C>T on transcript NM_001150.3 (MANE Select); coding-DNA position 298, C replaced by T.
Protein change: p.Leu100=; no amino-acid change (leucine 100 retained).
Molecular consequence: synonymous variant.
Genome position (GRCh38, 1-based): chr15:89,806,286, G>A on the plus strand (C>T on the coding strand, the complement: ANPEP is on the minus strand). VCF-style: chr15-89806286-G-A. GRCh37 (hg19) VCF-style: chr15-90349517-G-A.
Identifiers: ClinVar variation 780059 (VCV000780059.18), dbSNP rs145026743, ClinGen allele CA7731665.
Genomic context (GRCh38, chr15:89,806,286, plus strand): 5'-TGACGTCAGTGGCCTCCTTGCAGGTGAAACGGACGGTGCTGGAGCCCTTAAAAACGTACA[G>A]GCCCCTGTCATTGGGGGTGAGGTACGGTCTCAGCGTCACCCGGTAGGAATCGGGTTTCAG-3'
Protein context (NP_001141.2, residues 90-110): RPYLTPNDRG[Leu100=]YVFKGSSTVR